The following is an entry in ClinVar:

NM_002103.5(GYS1):c.1825C>A (p.Arg609Ser)

Gene: GYS1 (glycogen synthase 1; minus strand). Cytogenetic location: 19q13.33.
Variant type: single nucleotide variant.
Coding change: c.1825C>A on transcript NM_002103.5 (MANE Select); coding-DNA position 1825, C replaced by A.
Protein change: p.Arg609Ser; replaces arginine 609 with serine.
Molecular consequence: missense variant. On other transcripts: non-coding transcript variant (1).
Genome position (GRCh38, 1-based): chr19:48,969,840, G>T on the plus strand (C>A on the coding strand, the complement: GYS1 is on the minus strand). VCF-style: chr19-48969840-G-T. GRCh37 (hg19) VCF-style: chr19-49473097-G-T.
Other names: c.1633C>A, p.Arg545Ser (NM_001161587.2); short protein forms R609S, R545S.
Identifiers: ClinVar variation 1423992 (VCV001423992.5), dbSNP rs957644060, ClinGen allele CA406760022.

ClinVar aggregate classification (germline): Uncertain significance (1 of 4 stars; one submission).

Conditions:
Glycogen storage disease due to muscle and heart glycogen synthase deficiency. Also called: GSD 0b; MUSCLE GLYCOGEN SYNTHASE DEFICIENCY. Identifiers: Orphanet 137625, MedGen C1969054, MONDO:0012693, OMIM 611556.

gnomAD v4.1: 2 of 1,613,396 alleles (0.00012%); highest among the groups gnomAD compares: Non-Finnish European, 0.00017%; no homozygotes.

Submission:

Labcorp Genetics (formerly Invitae), Labcorp
Classification: Uncertain significance for Glycogen storage disease due to muscle and heart glycogen synthase deficiency. Last evaluated: 2021-09-01. Review status: criteria provided, single submitter. Criteria: Invitae Variant Classification Sherloc (09022015). Collection method: clinical testing. Allele origin: germline.
Comment: This sequence change replaces arginine with serine at codon 609 of the GYS1 protein (p.Arg609Ser). The arginine residue is highly conserved and there is a moderate physicochemical difference between arginine and serine. This variant is not present in population databases (ExAC no frequency). This variant has not been reported in the literature in individuals affected with GYS1-related conditions. Algorithms developed to predict the effect of missense changes on protein structure and function are either unavailable or do not agree on the potential impact of this missense change (SIFT: "Deleterious"; PolyPhen-2: "Probably Damaging"; Align-GVGD: "Class C15"). In summary, the available evidence is currently insufficient to determine the role of this variant in disease. Therefore, it has been classified as a Variant of Uncertain Significance.